The following is an entry in ClinVar:

NM_032242.4(PLXNA1):c.4545A>C (p.Ala1515=)

Gene: PLXNA1 (plexin A1; plus strand). Cytogenetic location: 3q21.3.
Variant type: single nucleotide variant.
Coding change: c.4545A>C on transcript NM_032242.4 (MANE Select); coding-DNA position 4545, A replaced by C.
Protein change: p.Ala1515=; no amino-acid change (alanine 1515 retained).
Molecular consequence: synonymous variant.
Genome position (GRCh38, 1-based): chr3:127,028,216, A>C. VCF-style: chr3-127028216-A-C. GRCh37 (hg19) VCF-style: chr3-126747059-A-C.
Identifiers: ClinVar variation 4996996 (VCV004996996.1).

ClinVar aggregate classification (germline): Likely benign (1 of 4 stars; one submission).

Conditions:
PLXNA1-related disorder. Also called: PLXNA1-related condition.

gnomAD v4.1: 3 of 1,613,026 alleles (0.00019%); highest among the groups gnomAD compares: Non-Finnish European, 0.00025%; no homozygotes.

Submission:

PreventionGenetics, part of Exact Sciences
Classification: Likely benign for PLXNA1-related condition. Last evaluated: 2025-01-30. Review status: criteria provided, single submitter. Criteria: ACMG Guidelines, 2015. Collection method: clinical testing. Allele origin: germline.
Comment: This variant is classified as likely benign based on ACMG/AMP sequence variant interpretation guidelines (Richards et al. 2015 PMID: 25741868, with internal and published modifications).